The following is an entry in ClinVar:

NM_001371986.1(UNC80):c.9881A>G (p.Asn3294Ser)

Gene: UNC80 (unc-80 subunit of NALCN channel complex; plus strand). Cytogenetic location: 2q34.
Variant type: single nucleotide variant.
Coding change: c.9881A>G on transcript NM_001371986.1 (MANE Select); coding-DNA position 9881, A replaced by G.
Protein change: p.Asn3294Ser; replaces asparagine 3294 with serine.
Molecular consequence: missense variant.
Genome position (GRCh38, 1-based): chr2:209,995,501, A>G. VCF-style: chr2-209995501-A-G. GRCh37 (hg19) VCF-style: chr2-210860225-A-G.
Other names: c.9683A>G, p.Asn3228Ser (NM_032504.2); c.9611A>G, p.Asn3204Ser (NM_182587.4); short protein forms N3228S, N3204S, N3294S.
Identifiers: ClinVar variation 1390699 (VCV001390699.6), dbSNP rs2125036261, ClinGen allele CA350416507.
Genomic context (GRCh38, chr2:209,995,501, plus strand): 5'-GCCTCGAGACATCCAGCCTCCTACAGCATGGAGACACTGTCCTTCATATCAGTGAGGAAA[A>G]TGGCATGGAGAACCCGCTACTATCTAGTCAGTTCACCTTTACTCCCACTGAGCTGGGGAA-3'
Protein context (NP_001358915.1, residues 3284-3304): GDTVLHISEE[Asn3294Ser]GMENPLLSSQ

ClinVar aggregate classification (germline): Uncertain significance (1 of 4 stars; one submission).

Allele frequency attached by ClinVar (database versions not stated): gnomAD exomes 0.00001.
gnomAD v4.1: 5 of 1,551,852 alleles (0.00032%); highest among the groups gnomAD compares: Non-Finnish European, 0.00044%; no homozygotes.

Submission:

Labcorp Genetics (formerly Invitae), Labcorp
Classification: Uncertain significance. Last evaluated: 2021-04-25. Review status: criteria provided, single submitter. Criteria: Invitae Variant Classification Sherloc (09022015). Collection method: clinical testing. Allele origin: germline.
Comment: In summary, the available evidence is currently insufficient to determine the role of this variant in disease. Therefore, it has been classified as a Variant of Uncertain Significance. Algorithms developed to predict the effect of missense changes on protein structure and function output the following: SIFT: "Not Available"; PolyPhen-2: "Benign"; Align-GVGD: "Not Available". The serine amino acid residue is found in multiple mammalian species, suggesting that this missense change does not adversely affect protein function. These predictions have not been confirmed by published functional studies and their clinical significance is uncertain. This variant has not been reported in the literature in individuals with UNC80-related conditions. This variant is not present in population databases (ExAC no frequency). This sequence change replaces asparagine with serine at codon 3228 of the UNC80 protein (p.Asn3228Ser). The asparagine residue is weakly conserved and there is a small physicochemical difference between asparagine and serine.